The following is an entry in ClinVar:

NM_177438.3(DICER1):c.4605T>G (p.Cys1535Trp)

Gene: DICER1 (dicer 1, ribonuclease III; minus strand). Cytogenetic location: 14q32.13.
Variant type: single nucleotide variant.
Coding change: c.4605T>G on transcript NM_177438.3 (MANE Select); coding-DNA position 4605, T replaced by G.
Protein change: p.Cys1535Trp; replaces cysteine 1535 with tryptophan.
Molecular consequence: missense variant.
Genome position (GRCh38, 1-based): chr14:95,096,315, A>C on the plus strand (T>G on the coding strand, the complement: DICER1 is on the minus strand). VCF-style: chr14-95096315-A-C. GRCh37 (hg19) VCF-style: chr14-95562652-A-C.
Other names: c.4605T>G, p.Cys1535Trp (NM_001195573.1, NM_001271282.3, NM_001291628.2 and 1 more transcripts); short protein forms C1535W.
Identifiers: ClinVar variation 1392374 (VCV001392374.7), dbSNP rs2139847482, ClinGen allele CA390867706.

ClinVar aggregate classification (germline): Uncertain significance (1 of 4 stars; one submission).

Conditions:
DICER1-related tumor predisposition. Also called: DICER1 syndrome; DICER1-related pleuropulmonary blastoma cancer predisposition syndrome. Identifiers: Orphanet 284343, MedGen C3839822, MONDO:0100216.

Submission:

Labcorp Genetics (formerly Invitae), Labcorp
Classification: Uncertain significance for DICER1-related tumor predisposition. Last evaluated: 2021-10-20. Review status: criteria provided, single submitter. Criteria: Invitae Variant Classification Sherloc (09022015). Collection method: clinical testing. Allele origin: germline.
Comment: This sequence change replaces cysteine with tryptophan at codon 1535 of the DICER1 protein (p.Cys1535Trp). The cysteine residue is moderately conserved and there is a large physicochemical difference between cysteine and tryptophan. This variant is not present in population databases (ExAC no frequency). This variant has not been reported in the literature in individuals affected with DICER1-related conditions. Algorithms developed to predict the effect of missense changes on protein structure and function are either unavailable or do not agree on the potential impact of this missense change (SIFT: "Deleterious"; PolyPhen-2: "Probably Damaging"; Align-GVGD: "Class C0"). In summary, the available evidence is currently insufficient to determine the role of this variant in disease. Therefore, it has been classified as a Variant of Uncertain Significance.